The following is an entry in ClinVar:

ClinVar aggregate classification (germline): Uncertain significance. Review status: criteria provided, multiple submitters, no conflicts (2 of 4 stars). 3 submissions from 3 submitters: Uncertain significance (3). Last evaluated 2025-11-06.

Conditions:
Muscular dystrophy-dystroglycanopathy (congenital with impaired intellectual development), type B, 3. Also called: Muscular dystrophy-dystroglycanopathy (congenital with intellectual disability), type B3; MUSCULAR DYSTROPHY, CONGENITAL, POMGNT1-RELATED. Identifiers: MedGen C3150412, MONDO:0013155, OMIM 613151.
Autosomal recessive limb-girdle muscular dystrophy type 2O. Also called: MUSCULAR DYSTROPHY-DYSTROGLYCANOPATHY, LIMB-GIRDLE, POMGNT1-RELATED; Limb-Girdle Muscular Dystrophy Type 3C; MUSCULAR DYSTROPHY-DYSTROGLYCANOPATHY (LIMB-GIRDLE), TYPE C, 3. Identifiers: Orphanet 206564, MedGen C3150417, MONDO:0013161, OMIM 613157.
Inborn genetic diseases. Identifiers: MedGen C0950123, MeSH D030342.

Allele frequency attached by ClinVar (database versions not stated): gnomAD 0.00001.
gnomAD v4.1: 14 of 1,614,072 alleles (0.00087%); highest among the groups gnomAD compares: Non-Finnish European, 0.0012%; no homozygotes.

Submissions (3):

Ambry Genetics
Classification: Uncertain significance for Inborn genetic diseases. Last evaluated: 2025-11-06. Review status: criteria provided, single submitter. Criteria: Ambry Variant Classification Scheme 2023. Collection method: clinical testing. Allele origin: germline.

Labcorp Genetics (formerly Invitae), Labcorp
Classification: Uncertain significance for Autosomal recessive limb-girdle muscular dystrophy type 2O; Muscular dystrophy-dystroglycanopathy (congenital with impaired intellectual development), type B, 3. Last evaluated: 2022-09-07. Review status: criteria provided, single submitter. Criteria: Invitae Variant Classification Sherloc (09022015). Collection method: clinical testing. Allele origin: germline.
Comment: This variant has not been reported in the literature in individuals affected with POMGNT1-related conditions. This variant is not present in population databases (gnomAD no frequency). This sequence change replaces glutamic acid, which is acidic and polar, with valine, which is neutral and non-polar, at codon 253 of the POMGNT1 protein (p.Glu253Val). ClinVar contains an entry for this variant (Variation ID: 288666). In summary, the available evidence is currently insufficient to determine the role of this variant in disease. Therefore, it has been classified as a Variant of Uncertain Significance. Advanced modeling of protein sequence and biophysical properties (such as structural, functional, and spatial information, amino acid conservation, physicochemical variation, residue mobility, and thermodynamic stability) performed at Invitae indicates that this missense variant is not expected to disrupt POMGNT1 protein function.

Eurofins Ntd Llc (ga)
Classification: Uncertain significance. Last evaluated: 2016-06-08. Review status: criteria provided, single submitter. Criteria: EGL Classification Definitions 2015. Collection method: clinical testing. Allele origin: germline. Observed: 1 variant allele, 1 heterozygote.

NM_017739.4(POMGNT1):c.758A>T (p.Glu253Val)

Genes: POMGNT1 (protein O-linked mannose N-acetylglucosaminyltransferase 1 (beta 1,2-); minus strand), TSPAN1 (tetraspanin 1; plus strand). Cytogenetic location: 1p34.1.
Variant type: single nucleotide variant.
Coding change: c.758A>T on transcript NM_017739.4 (MANE Select); coding-DNA position 758, A replaced by T.
Protein change: p.Glu253Val; replaces glutamic acid 253 with valine.
Molecular consequence: missense variant.
Genome position (GRCh38, 1-based): chr1:46,194,395, T>A on the plus strand (A>T on the coding strand, the complement: POMGNT1 is on the minus strand). VCF-style: chr1-46194395-T-A. GRCh37 (hg19) VCF-style: chr1-46660067-T-A.
Other names: c.758A>T, p.Glu253Val (NM_001243766.2, NM_001410783.1); c.692A>T, p.Glu231Val (NM_001290129.3); c.329A>T, p.Glu110Val (NM_001290130.2); c.758A>T (NM_017739.3); short protein forms E253V, E110V, E231V.
Identifiers: ClinVar variation 288666 (VCV000288666.13), dbSNP rs886043972, ClinGen allele CA10606178.
Genomic context (GRCh38, chr1:46,194,395, plus strand): 5'-TCAACTTTGCTGCAGAAGCGCCGGCGGCGACGGTTCAGCTCTGTGTCTGCCCAGTGGCAC[T>A]CTGCCTCTGAGGGAAGGATGCGGTTGTCATGGAGGCATGGGGCCAGCAAGGTTTGAAGAG-3'
Protein context (NP_060209.4, residues 243-263): DVPLSSAEEA[Glu253Val]CHWADTELNR